The following is an entry in ClinVar:

NM_000077.5(CDKN2A):c.178G>C (p.Ala60Pro)

Gene: CDKN2A (cyclin dependent kinase inhibitor 2A; minus strand). Cytogenetic location: 9p21.3.
Variant type: single nucleotide variant.
Coding change: c.178G>C on transcript NM_000077.5; coding-DNA position 178, G replaced by C.
Protein change: p.Ala60Pro; replaces alanine 60 with proline.
Molecular consequence: missense variant (on NM_000077.6). On other transcripts: 3 prime UTR variant (1).
Genome position (GRCh38, 1-based): chr9:21,971,181, C>G on the plus strand (G>C on the coding strand, the complement: CDKN2A is on the minus strand). VCF-style: chr9-21971181-C-G. GRCh37 (hg19) VCF-style: chr9-21971180-C-G.
Other names: c.178G>C, p.Ala60Pro (NM_000077.6, NM_001195132.2); c.25G>C, p.Ala9Pro (NM_001363763.2); c.221G>C, p.Gly74Ala (NM_058195.4); c.*101G>C (NM_058197.5); short protein forms A60P, G74A, A9P.
Identifiers: ClinVar variation 532284 (VCV000532284.8), dbSNP rs769382085, ClinGen allele CA373086398.
Genomic context (GRCh38, chr9:21,971,181, plus strand): 5'-GGGTGAGAGTGGCGGGGTCGGCGCAGTTGGGCTCCGCGCCGTGGAGCAGCAGCAGCTCCG[C>G]CACTCGGGCGCTGCCCATCATCATGACCTGCCAGAGAGAACAGAATGGTCAGAGCCAGGG-3'
Protein context (NP_000068.1, residues 50-70): QVMMMGSARV[Ala60Pro]ELLLLHGAEP

ClinVar aggregate classification (germline): Uncertain significance (1 of 4 stars; one submission).

Conditions:
Familial melanoma. Also called: Hereditary melanoma; Hereditary cutaneous melanoma. Identifiers: Orphanet 618, MedGen C1512419, MONDO:0018961.

Submission:

Labcorp Genetics (formerly Invitae), Labcorp
Classification: Uncertain significance for Familial melanoma. Last evaluated: 2017-10-01. Review status: criteria provided, single submitter. Criteria: Invitae Variant Classification Sherloc (09022015). Collection method: clinical testing. Allele origin: germline.
Comment: A different variant (c.178_179delinsCG) giving rise to a different protein effect in CDKN2A (p16INK4a) (p.Ala60Arg) but the same protein effect seen here in CDKN2a (p14ARF) (p.Gly74Ala), has been reported in the literature in a single single family affected with melanoma (PMID: 19260062). In summary, the available evidence is currently insufficient to determine the role of this variant in disease. Therefore, it has been classified as a Variant of Uncertain Significance. Algorithms developed to predict the effect of missense changes on protein structure and function (SIFT, PolyPhen-2, Align-GVGD) all suggest that this missense change in CDKN2A (p16INK4a) is likely to be disruptive. These same algorithms do not agree on the potential impact of this variant in the CDKN2A (p14ARF) protein (SIFT: "Tolerated"; PolyPhen-2: "Probably Damaging"; Align-GVGD: "Class C0"). These predictions have not been confirmed by published functional studies and their clinical significance is uncertain. This variant is not present in population databases (ExAC no frequency). This sequence change replaces alanine with proline at codon 60 of the CDKN2A (p16INK4a) protein (p.Ala60Pro). The alanine residue is highly conserved and there is a small physicochemical difference between alanine and proline. Alternatively, this sequence change replaces glycine with alanine at codon 74 of the CDKN2A (p14ARF) protein (p.Gly74Ala). The glycine residue is highly conserved and there is a small physicochemical difference between glycine and alanine. The CDKN2A gene encodes two different proteins, p16INK4a and p14ARF, which are translated from alternative transcripts that have different open reading frames.

Literature cited by the submitters: PubMed 19260062.